The following is an entry in ClinVar:

ClinVar aggregate classification (germline): Uncertain significance. Review status: criteria provided, multiple submitters, no conflicts (2 of 4 stars). 2 submissions from 2 submitters: Uncertain significance (2). Last evaluated 2022-10-17.

Conditions:
Glycogen storage disease type III (GSD3). Also called: Cori disease; FORBES DISEASE. Identifiers: Orphanet 366, MedGen C0017922, MONDO:0009291, OMIM 232400.

Submissions (2):

Labcorp Genetics (formerly Invitae), Labcorp
Classification: Uncertain significance for Glycogen storage disease type III. Last evaluated: 2022-10-17. Review status: criteria provided, single submitter. Criteria: Invitae Variant Classification Sherloc (09022015). Collection method: clinical testing. Allele origin: germline.
Comment: This sequence change replaces arginine, which is basic and polar, with glycine, which is neutral and non-polar, at codon 748 of the AGL protein (p.Arg748Gly). This variant is not present in population databases (gnomAD no frequency). This variant has not been reported in the literature in individuals affected with AGL-related conditions. ClinVar contains an entry for this variant (Variation ID: 1022473). Advanced modeling of protein sequence and biophysical properties (such as structural, functional, and spatial information, amino acid conservation, physicochemical variation, residue mobility, and thermodynamic stability) performed at Invitae indicates that this missense variant is expected to disrupt AGL protein function. In summary, the available evidence is currently insufficient to determine the role of this variant in disease. Therefore, it has been classified as a Variant of Uncertain Significance.

Department of Pathology and Laboratory Medicine, Sinai Health System
Classification: Uncertain significance for glycogen storage disease III. Last evaluated: 2021-07-30. Review status: criteria provided, single submitter. Criteria: ACMG Guidelines, 2015. Collection method: research. Allele origin: germline.

NM_000642.3(AGL):c.2242A>G (p.Arg748Gly)

Gene: AGL (amylo-alpha-1,6-glucosidase and 4-alpha-glucanotransferase; plus strand). Cytogenetic location: 1p21.2.
Variant type: single nucleotide variant.
Coding change: c.2242A>G on transcript NM_000642.3 (MANE Select); coding-DNA position 2242, A replaced by G.
Protein change: p.Arg748Gly; replaces arginine 748 with glycine.
Molecular consequence: missense variant.
Genome position (GRCh38, 1-based): chr1:99,881,625, A>G. VCF-style: chr1-99881625-A-G. GRCh37 (hg19) VCF-style: chr1-100347181-A-G.
Other names: c.2242A>G, p.Arg748Gly (NM_000028.3, NM_000643.3, NM_000644.3 and 2 more transcripts); c.2194A>G, p.Arg732Gly (NM_000646.3); c.2041A>G, p.Arg681Gly (NM_001425327.1); c.2038A>G, p.Arg680Gly (NM_001425328.1, NM_001425329.1); c.1864A>G, p.Arg622Gly (NM_001425332.1); short protein forms R732G, R748G, R622G, R680G, R681G.
Identifiers: ClinVar variation 1022473 (VCV001022473.7), dbSNP rs1652038882, ClinGen allele CA341319920.